The following is an entry in ClinVar:

ClinVar aggregate classification (germline): Likely pathogenic (1 of 4 stars; one submission).

Conditions:
Immunodeficiency 45 (IMD45). Identifiers: MedGen C4225252, MONDO:0014727, OMIM 616669.

Submission:

Institute of Human Genetics, University of Leipzig Medical Center
Classification: Likely pathogenic for Immunodeficiency 45. Last evaluated: 2024-03-11. Review status: criteria provided, single submitter. Criteria: ACMG Guidelines, 2015. Collection method: clinical testing. Allele origin: inherited. Inheritance: Autosomal recessive inheritance. Affected: yes.
Comment: Criteria applied: PM2,PM3_SUP,PM4_SUP,PP4_MOD

NM_001289125.3(IFNAR2):c.158_160del (p.Ser53del)

Genes: IFNAR2 (interferon alpha and beta receptor subunit 2; plus strand), IFNAR2-IL10RB (IFNAR2-IL10RB readthrough; plus strand). Cytogenetic location: 21q22.11.
Variant type: Deletion.
Coding change: c.158_160del on transcript NM_001289125.3 (MANE Select); coding-DNA positions 158 to 160, 3 bases deleted (CAT; older notation c.158_160delCAT).
Protein change: p.Ser53del; deletes serine 53.
Molecular consequence: inframe deletion.
Genome position (GRCh38, 1-based): chr21:33,245,011-33,245,013, CAT deleted; deleting any 3 consecutive bases within chr21:33,245,009-33,245,013 gives the same sequence; the c. name uses the placement nearest the transcript's 3' end. VCF-style (leftmost placement, unchanged base first): chr21-33245008-TATC-T. GRCh37 (hg19) VCF-style: chr21-34617313-TATC-T.
Other names: c.158_160del, p.Ser53del (NM_001414505.1, NM_000874.5, NM_001289126.2 and 5 more transcripts); short protein forms S53del.
Identifiers: ClinVar variation 3068469 (VCV003068469.4), dbSNP rs1468003457, ClinGen allele CA637656753.